The following is an entry in ClinVar:

ClinVar aggregate classification (germline): Uncertain significance. Review status: criteria provided, multiple submitters, no conflicts (2 of 4 stars). 4 submissions from 4 submitters: Uncertain significance (4). Last evaluated 2026-09-01.

Conditions:
Hereditary cancer-predisposing syndrome. Also called: Hereditary neoplastic syndrome; Tumor predisposition; Neoplastic Syndromes, Hereditary; Hereditary Cancer Syndrome. Identifiers: Orphanet 140162, MedGen C0027672, MeSH D009386, MONDO:0015356.
Fanconi anemia complementation group J. Also called: BRIP1-Related Fanconi Anemia. Identifiers: Orphanet 84, MedGen C1836860, MONDO:0012187, OMIM 609054.
Familial cancer of breast. Also called: hereditary breast carcinoma; BREAST CANCER, FAMILIAL; Hereditary breast cancer. Identifiers: Orphanet 227535, MedGen C0346153, MONDO:0016419, OMIM 114480. Disease mechanism: loss of function.

Allele frequency attached by ClinVar (database versions not stated): gnomAD exomes below 0.00001; ExAC 0.00001.
gnomAD v4.1: 1 of 1,612,554 alleles (0.000062%); highest among the groups gnomAD compares: Non-Finnish European, 0.000085%; no homozygotes.

Submissions (4):

CeGaT Center for Human Genetics Tuebingen
Classification: Uncertain significance. Last evaluated: 2026-09-01. Review status: criteria provided, single submitter. Criteria: CeGaT Center For Human Genetics Tuebingen Variant Classification Criteria Version 2. Collection method: clinical testing. Allele origin: germline. Affected: yes. Observed: 1 variant allele.
Comment: BRIP1: PM2:Supporting, BP1

Ambry Genetics
Classification: Uncertain significance for Hereditary cancer-predisposing syndrome. Last evaluated: 2024-12-19. Review status: criteria provided, single submitter. Criteria: Ambry Variant Classification Scheme 2023. Collection method: clinical testing. Allele origin: germline.
Comment: The p.I857T variant (also known as c.2570T>C), located in coding exon 17 of the BRIP1 gene, results from a T to C substitution at nucleotide position 2570. The isoleucine at codon 857 is replaced by threonine, an amino acid with similar properties. This amino acid position is highly conserved in available vertebrate species. In addition, the in silico prediction for this alteration is inconclusive. Since supporting evidence is limited at this time, the clinical significance of this alteration remains unclear.

Color Diagnostics, LLC DBA Color Health
Classification: Uncertain significance for Hereditary cancer-predisposing syndrome. Last evaluated: 2024-03-06. Review status: criteria provided, single submitter. Criteria: ACMG Guidelines, 2015. Collection method: clinical testing. Allele origin: germline.
Comment: This missense variant replaces isoleucine with threonine at codon 857 of the BRIP1 protein. Computational prediction is inconclusive regarding the impact of this variant on protein structure and function (internally defined REVEL score threshold 0.5 < inconclusive < 0.7, PMID: 27666373). To our knowledge, functional studies have not been reported for this variant. This variant has not been reported in individuals affected with hereditary cancer in the literature. This variant has been identified in 1/251296 chromosomes in the general population by the Genome Aggregation Database (gnomAD). The available evidence is insufficient to determine the role of this variant in disease conclusively. Therefore, this variant is classified as a Variant of Uncertain Significance.

Labcorp Genetics (formerly Invitae), Labcorp
Classification: Uncertain significance for Familial cancer of breast; Fanconi anemia complementation group J. Last evaluated: 2022-10-23. Review status: criteria provided, single submitter. Criteria: Invitae Variant Classification Sherloc (09022015). Collection method: clinical testing. Allele origin: germline.
Comment: This sequence change replaces isoleucine, which is neutral and non-polar, with threonine, which is neutral and polar, at codon 857 of the BRIP1 protein (p.Ile857Thr). This variant is present in population databases (rs766432760, gnomAD 0.0009%). In summary, the available evidence is currently insufficient to determine the role of this variant in disease. Therefore, it has been classified as a Variant of Uncertain Significance. Advanced modeling of protein sequence and biophysical properties (such as structural, functional, and spatial information, amino acid conservation, physicochemical variation, residue mobility, and thermodynamic stability) performed at Invitae indicates that this missense variant is not expected to disrupt BRIP1 protein function. ClinVar contains an entry for this variant (Variation ID: 479457). This variant has not been reported in the literature in individuals affected with BRIP1-related conditions.

NM_032043.3(BRIP1):c.2570T>C (p.Ile857Thr)

Gene: BRIP1 (BRCA1 interacting DNA helicase 1; minus strand). Cytogenetic location: 17q23.2.
Variant type: single nucleotide variant.
Coding change: c.2570T>C on transcript NM_032043.3 (MANE Select); coding-DNA position 2570, T replaced by C.
Protein change: p.Ile857Thr; replaces isoleucine 857 with threonine.
Molecular consequence: missense variant.
Genome position (GRCh38, 1-based): chr17:61,693,435, A>G on the plus strand (T>C on the coding strand, the complement: BRIP1 is on the minus strand). VCF-style: chr17-61693435-A-G. GRCh37 (hg19) VCF-style: chr17-59770796-A-G.
Other names: short protein forms I857T.
Identifiers: ClinVar variation 479457 (VCV000479457.21), dbSNP rs766432760, ClinGen allele CA8690485.